The following is an entry in ClinVar:

ClinVar aggregate classification (germline): Uncertain significance. Review status: criteria provided, single submitter (1 of 4 stars). 2 submissions from 2 submitters: Uncertain significance (1). 1 of the submissions does not count toward it. Last evaluated 2022-02-05.

Conditions:
Tay-Sachs disease (TSD). Also called: HEXA DEFICIENCY; Hexosaminidase A Deficiency; GM2 gangliosidosis, type 1; Hexosaminidase alpha-subunit deficiency (variant B); Sphingolipidosis, Tay-Sachs; HEXA Disorders. Identifiers: Orphanet 845, MedGen C0039373, MONDO:0010100, OMIM 272800.

Submissions (2):

Labcorp Genetics (formerly Invitae), Labcorp
Classification: Uncertain significance for Tay-Sachs disease. Last evaluated: 2022-02-05. Review status: criteria provided, single submitter. Criteria: Invitae Variant Classification Sherloc (09022015). Collection method: clinical testing. Allele origin: germline.
Comment: In summary, the available evidence is currently insufficient to determine the role of this variant in disease. Therefore, it has been classified as a Variant of Uncertain Significance. Variants that disrupt the consensus splice site are a relatively common cause of aberrant splicing (PMID: 17576681, 9536098). Algorithms developed to predict the effect of sequence changes on RNA splicing suggest that this variant is not likely to affect RNA splicing. ClinVar contains an entry for this variant (Variation ID: 1009976). This variant has not been reported in the literature in individuals affected with HEXA-related conditions. This variant is not present in population databases (gnomAD no frequency). This sequence change falls in intron 1 of the HEXA gene. It does not directly change the encoded amino acid sequence of the HEXA protein. It affects a nucleotide within the consensus splice site.

Natera, Inc.
Classification: Uncertain significance for Tay-Sachs disease. Last evaluated: 2025-05-08. Review status: no assertion criteria provided. Collection method: clinical testing. Allele origin: germline. Not counted in ClinVar's aggregate classification.

Literature cited by the submitters: PubMed 17576681 (cited by Labcorp Genetics (formerly Invitae), Labcorp); PubMed 9536098 (cited by Labcorp Genetics (formerly Invitae), Labcorp).

NM_000520.6(HEXA):c.253+4A>C

Gene: HEXA (hexosaminidase subunit alpha; minus strand). Cytogenetic location: 15q23.
Variant type: single nucleotide variant.
Coding change: c.253+4A>C on transcript NM_000520.6 (MANE Select); 4 bases into the intron after coding-DNA position 253, A replaced by C.
Molecular consequence: intron variant.
Genome position (GRCh38, 1-based): chr15:72,375,716, T>G on the plus strand (A>C on the coding strand, the complement: HEXA is on the minus strand). VCF-style: chr15-72375716-T-G. GRCh37 (hg19) VCF-style: chr15-72668057-T-G.
Other names: c.253+4A>C (NM_001318825.2, NM_000520.5).
Identifiers: ClinVar variation 1009976 (VCV001009976.7), dbSNP rs746118260, ClinGen allele CA2186760957.